The following is an entry in ClinVar:

ClinVar aggregate classification (germline): Pathogenic (1 of 4 stars; one submission).

Conditions:
Dystonia 5 (DRD). Also called: DYT-GCH1; DYSTONIA, PROGRESSIVE, WITH DIURNAL VARIATION; DYSTONIA-PARKINSONISM WITH DIURNAL FLUCTUATION; GTP Cyclohydrolase 1-Deficient Dopa-Responsive Dystonia; Dystonia, DOPA-responsive, with or without hyperphenylalaninemia. Identifiers: Orphanet 98808, MedGen C1851920, MONDO:0007495, OMIM 128230.
GTP cyclohydrolase I deficiency. Identifiers: MedGen C0268467, MONDO:0100184.

Submission:

Labcorp Genetics (formerly Invitae), Labcorp
Classification: Pathogenic for GTP cyclohydrolase I deficiency; Dystonia 5. Last evaluated: 2021-02-21. Review status: criteria provided, single submitter. Criteria: Invitae Variant Classification Sherloc (09022015). Collection method: clinical testing. Allele origin: germline.
Comment: This sequence change affects a donor splice site in intron 2 of the GCH1 gene. It is expected to disrupt RNA splicing. Variants that disrupt the donor or acceptor splice site typically lead to a loss of protein function (PMID: 16199547), and loss-of-function variants in GCH1 are known to be pathogenic (PMID: 9667588, 19332422, 19491146, 25557619). For these reasons, this variant has been classified as Pathogenic. Algorithms developed to predict the effect of sequence changes on RNA splicing suggest that this variant may disrupt the consensus splice site, but this prediction has not been confirmed by published transcriptional studies. Disruption of this splice site has been observed in individual(s) with dopa-responsive dystonia (PMID: 17898029, 19491146). This variant is not present in population databases (ExAC no frequency).

Literature cited by the submitters: PubMed 16199547; PubMed 9667588; PubMed 19332422; PubMed 19491146; PubMed 25557619; PubMed 17898029.

NM_000161.3(GCH1):c.453+2T>G

Gene: GCH1 (GTP cyclohydrolase 1; minus strand). Cytogenetic location: 14q22.2.
Variant type: single nucleotide variant.
Coding change: c.453+2T>G on transcript NM_000161.3 (MANE Select); the canonical splice donor site of the intron after coding-DNA position 453, T replaced by G.
Molecular consequence: splice donor variant.
Genome position (GRCh38, 1-based): chr14:54,865,325, A>C on the plus strand (T>G on the coding strand, the complement: GCH1 is on the minus strand). VCF-style: chr14-54865325-A-C. GRCh37 (hg19) VCF-style: chr14-55332043-A-C.
Other names: c.453+2T>G (NM_001024071.2, NM_001024070.2, NM_001024024.2).
Identifiers: ClinVar variation 1455907 (VCV001455907.8), dbSNP rs2140073988, ClinGen allele CA389789894.